The following is an entry in ClinVar:

ClinVar aggregate classification (germline): Uncertain significance (1 of 4 stars; one submission).

Conditions:
Inborn genetic diseases. Identifiers: MedGen C0950123, MeSH D030342.

gnomAD v4.1: 1 of 1,611,436 alleles (0.000062%); highest among the groups gnomAD compares: Non-Finnish European, 0.000085%; no homozygotes.

Submission:

Ambry Genetics
Classification: Uncertain significance for Inborn genetic diseases. Last evaluated: 2025-04-24. Review status: criteria provided, single submitter. Criteria: Ambry Variant Classification Scheme 2023. Collection method: clinical testing. Allele origin: germline.
Comment: The p.M538I variant (also known as c.1614G>T), located in coding exon 1 of the SAMD9L gene, results from a G to T substitution at nucleotide position 1614. The methionine at codon 538 is replaced by isoleucine, an amino acid with highly similar properties. This amino acid position is conserved. In addition, this alteration is predicted to be tolerated by in silico analysis. Based on the available evidence, the clinical significance of this variant remains unclear.

NM_152703.5(SAMD9L):c.1614G>T (p.Met538Ile)

Gene: SAMD9L (sterile alpha motif domain containing 9 like; minus strand). Cytogenetic location: 7q21.2.
Variant type: single nucleotide variant.
Coding change: c.1614G>T on transcript NM_152703.5 (MANE Select); coding-DNA position 1614, G replaced by T.
Protein change: p.Met538Ile; replaces methionine 538 with isoleucine.
Molecular consequence: missense variant.
Genome position (GRCh38, 1-based): chr7:93,134,358, C>A on the plus strand (G>T on the coding strand, the complement: SAMD9L is on the minus strand). VCF-style: chr7-93134358-C-A. GRCh37 (hg19) VCF-style: chr7-92763671-C-A.
Other names: c.1614G>T, p.Met538Ile (NM_001303496.3, NM_001303497.3, NM_001303498.3 and 5 more transcripts); short protein forms M538I.
Identifiers: ClinVar variation 3949870 (VCV003949870.1).